The following is an entry in ClinVar:

NM_001377229.1(DISP1):c.527A>C (p.Lys176Thr)

Gene: DISP1 (dispatched RND transporter family member 1; plus strand). Cytogenetic location: 1q41.
Variant type: single nucleotide variant.
Coding change: c.527A>C on transcript NM_001377229.1 (MANE Select); coding-DNA position 527, A replaced by C.
Protein change: p.Lys176Thr; replaces lysine 176 with threonine.
Molecular consequence: missense variant. On other transcripts: 5 prime UTR variant (1).
Genome position (GRCh38, 1-based): chr1:222,983,097, A>C. VCF-style: chr1-222983097-A-C. GRCh37 (hg19) VCF-style: chr1-223156439-A-C.
Other names: c.-361A>C (NM_001350630.2); c.527A>C, p.Lys176Thr (NM_001369594.1, NM_001377228.1, NM_032890.5); short protein forms K176T.
Identifiers: ClinVar variation 3620975 (VCV003620975.2).

ClinVar aggregate classification (germline): Uncertain significance (1 of 4 stars; one submission).

gnomAD v4.1: 3 of 1,609,232 alleles (0.00019%); highest among the groups gnomAD compares: Admixed American, 0.0033%; no homozygotes.

Submission:

Labcorp Genetics (formerly Invitae), Labcorp
Classification: Uncertain significance. Last evaluated: 2025-07-07. Review status: criteria provided, single submitter. Criteria: Invitae Variant Classification Sherloc (09022015). Collection method: clinical testing. Allele origin: germline.
Comment: This sequence change replaces lysine, which is basic and polar, with threonine, which is neutral and polar, at codon 176 of the DISP1 protein (p.Lys176Thr). This variant is present in population databases (no rsID available, gnomAD 0.003%). This variant has not been reported in the literature in individuals affected with DISP1-related conditions. ClinVar contains an entry for this variant (Variation ID: 3620975). An algorithm developed to predict the effect of missense changes on protein structure and function (PolyPhen-2) suggests that this variant is likely to be tolerated. In summary, the available evidence is currently insufficient to determine the role of this variant in disease. Therefore, it has been classified as a Variant of Uncertain Significance.